The following is an entry in ClinVar:

ClinVar aggregate classification (germline): Uncertain significance. Review status: criteria provided, multiple submitters, no conflicts (2 of 4 stars). 2 submissions from 2 submitters: Uncertain significance (2). Last evaluated 2025-06-09.

Conditions:
Familial thoracic aortic aneurysm and aortic dissection (TAAD). Also called: Thoracic aortic aneurysms and dissections. Identifiers: Orphanet 91387, MedGen C4707243, MONDO:0019625.

Submissions (2):

Color Diagnostics, LLC DBA Color Health
Classification: Uncertain significance for Familial thoracic aortic aneurysm and aortic dissection. Last evaluated: 2025-06-09. Review status: criteria provided, single submitter. Criteria: ACMG Guidelines, 2015. Collection method: clinical testing. Allele origin: germline.
Comment: This missense variant replaces arginine with glycine at codon 368 of the SMAD3 protein. Computational prediction suggests that this variant may have deleterious impact on protein structure and function. To our knowledge, functional studies have not been reported for this variant. This variant has not been reported in individuals affected with SMAD3-related disorders in the literature. This variant has not been identified in the general population by the Genome Aggregation Database (gnomAD). The available evidence is insufficient to determine the role of this variant in disease conclusively. Therefore, this variant is classified as a Variant of Uncertain Significance.

Labcorp Genetics (formerly Invitae), Labcorp
Classification: Uncertain significance for Familial thoracic aortic aneurysm and aortic dissection. Last evaluated: 2022-09-01. Review status: criteria provided, single submitter. Criteria: Invitae Variant Classification Sherloc (09022015). Collection method: clinical testing. Allele origin: germline.
Comment: Advanced modeling of protein sequence and biophysical properties (such as structural, functional, and spatial information, amino acid conservation, physicochemical variation, residue mobility, and thermodynamic stability) performed at Invitae indicates that this missense variant is not expected to disrupt SMAD3 protein function. In summary, the available evidence is currently insufficient to determine the role of this variant in disease. Therefore, it has been classified as a Variant of Uncertain Significance. ClinVar contains an entry for this variant (Variation ID: 961546). This variant has not been reported in the literature in individuals affected with SMAD3-related conditions. This variant is not present in population databases (gnomAD no frequency). This sequence change replaces arginine, which is basic and polar, with glycine, which is neutral and non-polar, at codon 368 of the SMAD3 protein (p.Arg368Gly).

NM_005902.4(SMAD3):c.1102C>G (p.Arg368Gly)

Gene: SMAD3 (SMAD family member 3; plus strand). Cytogenetic location: 15q22.33.
Variant type: single nucleotide variant.
Coding change: c.1102C>G on transcript NM_005902.4 (MANE Select); coding-DNA position 1102, C replaced by G.
Protein change: p.Arg368Gly; replaces arginine 368 with glycine.
Molecular consequence: missense variant.
Genome position (GRCh38, 1-based): chr15:67,187,457, C>G. VCF-style: chr15-67187457-C-G. GRCh37 (hg19) VCF-style: chr15-67479795-C-G.
Other names: c.787C>G, p.Arg263Gly (NM_001145102.2); c.970C>G, p.Arg324Gly (NM_001145103.2); c.517C>G, p.Arg173Gly (NM_001145104.2); short protein forms R263G, R324G, R368G, R173G.
Identifiers: ClinVar variation 961546 (VCV000961546.10), dbSNP rs757106110, ClinGen allele CA392958253.